The following is an entry in ClinVar:

ClinVar aggregate classification (germline): Uncertain significance (1 of 4 stars; one submission).

Conditions:
Congenital factor V deficiency. Also called: Hereditary factor V deficiency disease; LABILE FACTOR DEFICIENCY; OWREN PARAHEMOPHILIA; PARAHEMOPHILIA. Identifiers: Orphanet 326, MedGen C0015499, MONDO:0009210, OMIM 227400.

Submission:

Labcorp Genetics (formerly Invitae), Labcorp
Classification: Uncertain significance for Congenital factor V deficiency. Last evaluated: 2024-04-07. Review status: criteria provided, single submitter. Criteria: Invitae Variant Classification Sherloc (09022015). Collection method: clinical testing. Allele origin: germline.
Comment: This sequence change replaces valine, which is neutral and non-polar, with glutamic acid, which is acidic and polar, at codon 238 of the F5 protein (p.Val238Glu). This variant is not present in population databases (gnomAD no frequency). This variant has not been reported in the literature in individuals affected with F5-related conditions. Advanced modeling of protein sequence and biophysical properties (such as structural, functional, and spatial information, amino acid conservation, physicochemical variation, residue mobility, and thermodynamic stability) performed at Invitae indicates that this missense variant is expected to disrupt F5 protein function with a positive predictive value of 80%. In summary, the available evidence is currently insufficient to determine the role of this variant in disease. Therefore, it has been classified as a Variant of Uncertain Significance.

NM_000130.5(F5):c.713T>A (p.Val238Glu)

Gene: F5 (coagulation factor V; minus strand). Cytogenetic location: 1q24.2.
Variant type: single nucleotide variant.
Coding change: c.713T>A on transcript NM_000130.5 (MANE Select); coding-DNA position 713, T replaced by A.
Protein change: p.Val238Glu; replaces valine 238 with glutamic acid.
Molecular consequence: missense variant.
Genome position (GRCh38, 1-based): chr1:169,559,170, A>T on the plus strand (T>A on the coding strand, the complement: F5 is on the minus strand). VCF-style: chr1-169559170-A-T. GRCh37 (hg19) VCF-style: chr1-169528408-A-T.
Other names: short protein forms V238E.
Identifiers: ClinVar variation 3013768 (VCV003013768.3), dbSNP rs1428045772, ClinGen allele CA343135566.